The following is an entry in ClinVar:

NM_004385.5(VCAN):c.8453C>T (p.Ala2818Val)

Genes: VCAN (versican; plus strand), VCAN-AS1 (VCAN antisense RNA 1; minus strand). Cytogenetic location: 5q14.3.
Variant type: single nucleotide variant.
Coding change: c.8453C>T on transcript NM_004385.5 (MANE Select); coding-DNA position 8453, C replaced by T.
Protein change: p.Ala2818Val; replaces alanine 2818 with valine.
Molecular consequence: missense variant. On other transcripts: intron variant (2).
Genome position (GRCh38, 1-based): chr5:83,541,456, C>T. VCF-style: chr5-83541456-C-T. GRCh37 (hg19) VCF-style: chr5-82837275-C-T.
Other names: c.5492C>T, p.Ala1831Val (NM_001164097.2); c.4004-4081C>T (NM_001164098.2); c.1043-4081C>T (NM_001126336.3); c.8453C>T (NM_004385.4); short protein forms A2818V, A1831V.
Identifiers: ClinVar variation 1941159 (VCV001941159.8), dbSNP rs753597820, ClinGen allele CA3333809.

ClinVar aggregate classification (germline): Uncertain significance. Review status: criteria provided, multiple submitters, no conflicts (2 of 4 stars). 4 submissions from 4 submitters: Uncertain significance (3). 1 of the submissions does not count toward it. Last evaluated 2026-01-26.

Conditions:
Inborn genetic diseases. Identifiers: MedGen C0950123, MeSH D030342.
Retinal dystrophy. Also called: Inherited retinal dystrophy. Identifiers: Orphanet 71862, MedGen C0854723, MeSH D058499, MONDO:0019118, HP:0000556.
VCAN-related disorder. Also called: VCAN-related condition.

Allele frequency attached by ClinVar (database versions not stated): gnomAD 0.00001; TOPMed 0.00001.
gnomAD v4.1: 20 of 1,613,932 alleles (0.0012%); highest among the groups gnomAD compares: African/African-American, 0.0053%; no homozygotes.

Submissions (4):

PreventionGenetics, part of Exact Sciences
Classification: Uncertain significance for VCAN-related condition. Last evaluated: 2026-01-26. Review status: criteria provided, single submitter. Criteria: ACMG Guidelines, 2015. Collection method: clinical testing. Allele origin: germline.
Comment: The VCAN c.8453C>T variant is predicted to result in the amino acid substitution p.Ala2818Val. To our knowledge, this variant has not been reported in the literature. This variant is reported in 0.0054% of alleles in individuals of East Asian descent in gnomAD. At this time, the clinical significance of this variant is uncertain due to the absence of conclusive functional and genetic evidence.

Ambry Genetics
Classification: Uncertain significance for Inborn genetic diseases. Last evaluated: 2025-01-21. Review status: criteria provided, single submitter. Criteria: Ambry Variant Classification Scheme 2023. Collection method: clinical testing. Allele origin: germline.

Labcorp Genetics (formerly Invitae), Labcorp
Classification: Uncertain significance. Last evaluated: 2023-12-27. Review status: criteria provided, single submitter. Criteria: Invitae Variant Classification Sherloc (09022015). Collection method: clinical testing. Allele origin: germline.
Comment: This sequence change replaces alanine, which is neutral and non-polar, with valine, which is neutral and non-polar, at codon 2818 of the VCAN protein (p.Ala2818Val). This variant is present in population databases (rs753597820, gnomAD 0.006%). This variant has not been reported in the literature in individuals affected with VCAN-related conditions. ClinVar contains an entry for this variant (Variation ID: 1941159). Algorithms developed to predict the effect of missense changes on protein structure and function output the following: SIFT: "Not Available"; PolyPhen-2: "Benign"; Align-GVGD: "Not Available". The valine amino acid residue is found in multiple mammalian species, which suggests that this missense change does not adversely affect protein function. In summary, the available evidence is currently insufficient to determine the role of this variant in disease. Therefore, it has been classified as a Variant of Uncertain Significance.

Institute of Human Genetics, Univ. Regensburg, Univ. Regensburg
Classification: Uncertain significance for Retinal dystrophy. Last evaluated: 2023-01-01. Review status: no assertion criteria provided. Criteria: ACMG Guidelines, 2015. Collection method: clinical testing. Allele origin: germline. Affected: yes. Not counted in ClinVar's aggregate classification.